The following is an entry in ClinVar:

ClinVar aggregate classification (germline): Uncertain significance (1 of 4 stars; one submission).

gnomAD v4.1: 6 of 1,613,628 alleles (0.00037%); highest among the groups gnomAD compares: East Asian, 0.0045%; no homozygotes.

Submission:

Women's Health and Genetics/Laboratory Corporation of America, LabCorp
Classification: Uncertain significance. Last evaluated: 2025-02-21. Review status: criteria provided, single submitter. Criteria: LabCorp Variant Classification Summary - May 2015. Collection method: clinical testing. Allele origin: germline.
Comment: Variant summary: TTN c.77557A>G (p.Ile25853Val) results in a conservative amino acid change in the encoded protein sequence. Four of four in-silico tools predict a benign effect of the variant on protein function. The variant allele was found at a frequency of 4e-06 in 248542 control chromosomes. The available data on variant occurrences in the general population are insufficient to allow any conclusion about variant significance. To our knowledge, no occurrence of c.77557A>G in individuals affected with TTN-related conditions and no experimental evidence demonstrating its impact on protein function have been reported. No submitters have cited clinical-significance assessments for this variant to ClinVar. Based on the evidence outlined above, the variant was classified as uncertain significance.

NM_001267550.2(TTN):c.85261A>G (p.Ile28421Val)

Genes: TTN (titin; minus strand), TTN-AS1 (TTN antisense RNA 1; plus strand). Cytogenetic location: 2q31.2.
Variant type: single nucleotide variant.
Coding change: c.85261A>G on transcript NM_001267550.2 (MANE Select); coding-DNA position 85261, A replaced by G.
Protein change: p.Ile28421Val; replaces isoleucine 28421 with valine.
Molecular consequence: missense variant.
Genome position (GRCh38, 1-based): chr2:178,560,871, T>C on the plus strand (A>G on the coding strand, the complement: TTN is on the minus strand). VCF-style: chr2-178560871-T-C. GRCh37 (hg19) VCF-style: chr2-179425598-T-C.
Other names: c.80338A>G, p.Ile26780Val (NM_001256850.1); c.58066A>G, p.Ile19356Val (NM_003319.4); c.77557A>G, p.Ile25853Val (NM_133378.4); c.58441A>G, p.Ile19481Val (NM_133432.3); c.58642A>G, p.Ile19548Val (NM_133437.4); short protein forms I19356V, I19481V, I19548V, I25853V, I26780V, I28421V.
Identifiers: ClinVar variation 3768904 (VCV003768904.1).